The following is an entry in ClinVar:

NM_005157.6(ABL1):c.1507T>C (p.Ser503Pro)

Gene: ABL1 (ABL proto-oncogene 1, non-receptor tyrosine kinase; plus strand). Cytogenetic location: 9q34.12.
Variant type: single nucleotide variant.
Coding change: c.1507T>C on transcript NM_005157.6 (MANE Select); coding-DNA position 1507, T replaced by C.
Protein change: p.Ser503Pro; replaces serine 503 with proline.
Molecular consequence: missense variant.
Genome position (GRCh38, 1-based): chr9:130,880,151, T>C. VCF-style: chr9-130880151-T-C. GRCh37 (hg19) VCF-style: chr9-133755538-T-C.
Other names: c.1564T>C, p.Ser522Pro (NM_007313.3); short protein forms S503P, S522P.
Identifiers: ClinVar variation 4739899 (VCV004739899.1).

ClinVar aggregate classification (germline): Uncertain significance (1 of 4 stars; one submission).

Submission:

Labcorp Genetics (formerly Invitae), Labcorp
Classification: Uncertain significance. Last evaluated: 2025-10-23. Review status: criteria provided, single submitter. Criteria: Invitae Variant Classification Sherloc (09022015). Collection method: clinical testing. Allele origin: germline.
Comment: This sequence change replaces serine, which is neutral and polar, with proline, which is neutral and non-polar, at codon 522 of the ABL1 protein (p.Ser522Pro). This variant is not present in population databases (gnomAD no frequency). This variant has not been reported in the literature in individuals affected with ABL1-related conditions. Invitae Evidence Modeling of protein sequence and biophysical properties (such as structural, functional, and spatial information, amino acid conservation, physicochemical variation, residue mobility, and thermodynamic stability) indicates that this missense variant is not expected to disrupt ABL1 protein function with a negative predictive value of 80%. In summary, the available evidence is currently insufficient to determine the role of this variant in disease. Therefore, it has been classified as a Variant of Uncertain Significance.